The following is an entry in ClinVar:

NM_000489.6(ATRX):c.16A>T (p.Met6Leu)

Genes: ATRX (ATRX chromatin remodeler; minus strand), LOC130068458 (ATAC-STARR-seq lymphoblastoid active region 29779; plus strand). Cytogenetic location: Xq21.1.
Variant type: single nucleotide variant.
Coding change: c.16A>T on transcript NM_000489.6 (MANE Select); coding-DNA position 16, A replaced by T.
Protein change: p.Met6Leu; replaces methionine 6 with leucine.
Molecular consequence: missense variant.
Genome position (GRCh38, 1-based): chrX:77,785,986, T>A on the plus strand (A>T on the coding strand, the complement: ATRX is on the minus strand). VCF-style: chrX-77785986-T-A. GRCh37 (hg19) VCF-style: chrX-77041472-T-A.
Other names: c.16A>T, p.Met6Leu (NM_138270.5); short protein forms M6L.
Identifiers: ClinVar variation 4852990 (VCV004852990.1).

ClinVar aggregate classification (germline): Uncertain significance (1 of 4 stars; one submission).

Submission:

Women's Health and Genetics/Laboratory Corporation of America, LabCorp
Classification: Uncertain significance. Last evaluated: 2026-05-29. Review status: criteria provided, single submitter. Criteria: LabCorp Variant Classification Summary - May 2015. Collection method: clinical testing. Allele origin: germline.
Comment: Variant summary: ATRX c.16A>T (p.Met6Leu) results in a conservative amino acid change in the encoded protein sequence. Algorithms developed to predict the effect of missense changes on protein structure and function are either unavailable or do not agree on the potential impact of this missense change. The variant was absent in 148411 control chromosomes. The available data on variant occurrences in the general population are insufficient to allow any conclusion about variant significance. To our knowledge, no occurrence of c.16A>T in individuals affected with ATRX-related conditions and no experimental evidence demonstrating its impact on protein function have been reported. No submitters have cited clinical-significance assessments for this variant to ClinVar. Based on the evidence outlined above, the variant was classified as uncertain significance.